The following is an entry in ClinVar:

ClinVar aggregate classification (germline): Uncertain significance (1 of 4 stars; one submission).

Conditions:
Neuropathy, hereditary sensory and autonomic, type 2A (HSAN2A). Also called: HSAN IIA; WNK1-Related HSAN2 (HSAN2A); ACROOSTEOLYSIS, GIACCAI TYPE; ACROOSTEOLYSIS, NEUROGENIC; MORVAN DISEASE; NEUROPATHY, CONGENITAL SENSORY. Identifiers: Orphanet 970, MedGen C2752089, MONDO:0024309, OMIM 201300.
Generalized epilepsy with febrile seizures plus, type 7 (GEFSP7). Also called: GEFS+, TYPE 7. Identifiers: Orphanet 36387, MedGen C2751778, MONDO:0013470, OMIM 613863.

Submission:

Labcorp Genetics (formerly Invitae), Labcorp
Classification: Uncertain significance for Neuropathy, hereditary sensory and autonomic, type 2A; Generalized epilepsy with febrile seizures plus, type 7. Last evaluated: 2023-11-07. Review status: criteria provided, single submitter. Criteria: Invitae Variant Classification Sherloc (09022015). Collection method: clinical testing. Allele origin: germline.
Comment: This sequence change replaces phenylalanine, which is neutral and non-polar, with leucine, which is neutral and non-polar, at codon 1624 of the SCN9A protein (p.Phe1624Leu). This variant is not present in population databases (gnomAD no frequency). This variant has not been reported in the literature in individuals affected with SCN9A-related conditions. Advanced modeling of protein sequence and biophysical properties (such as structural, functional, and spatial information, amino acid conservation, physicochemical variation, residue mobility, and thermodynamic stability) performed at Invitae indicates that this missense variant is not expected to disrupt SCN9A protein function with a negative predictive value of 95%. In summary, the available evidence is currently insufficient to determine the role of this variant in disease. Therefore, it has been classified as a Variant of Uncertain Significance.

NM_001365536.1(SCN9A):c.4903T>C (p.Phe1635Leu)

Genes: SCN1A-AS1 (SCN1A and SCN9A antisense RNA 1; plus strand), SCN9A (sodium voltage-gated channel alpha subunit 9; minus strand). Cytogenetic location: 2q24.3.
Variant type: single nucleotide variant.
Coding change: c.4903T>C on transcript NM_001365536.1 (MANE Select); coding-DNA position 4903, T replaced by C.
Protein change: p.Phe1635Leu; replaces phenylalanine 1635 with leucine.
Molecular consequence: missense variant. On other transcripts: non-coding transcript variant (1).
Genome position (GRCh38, 1-based): chr2:166,199,736, A>G on the plus strand (T>C on the coding strand, the complement: SCN9A is on the minus strand). VCF-style: chr2-166199736-A-G. GRCh37 (hg19) VCF-style: chr2-167056246-A-G.
Other names: c.4870T>C, p.Phe1624Leu (NM_002977.4); short protein forms F1635L, F1624L.
Identifiers: ClinVar variation 2946931 (VCV002946931.3), dbSNP rs2468878862, ClinGen allele CA349055211.